The following is an entry in ClinVar:

NM_015192.4(PLCB1):c.1686T>G (p.Asn562Lys)

Gene: PLCB1 (phospholipase C beta 1; plus strand). Cytogenetic location: 20p12.3.
Variant type: single nucleotide variant.
Coding change: c.1686T>G on transcript NM_015192.4 (MANE Select); coding-DNA position 1686, T replaced by G.
Protein change: p.Asn562Lys; replaces asparagine 562 with lysine.
Molecular consequence: missense variant.
Genome position (GRCh38, 1-based): chr20:8,727,316, T>G. VCF-style: chr20-8727316-T-G. GRCh37 (hg19) VCF-style: chr20-8707963-T-G.
Other names: c.1686T>G, p.Asn562Lys (NM_182734.3); short protein forms N562K.
Identifiers: ClinVar variation 1408675 (VCV001408675.5), dbSNP rs745674166, ClinGen allele CA9760053.

ClinVar aggregate classification (germline): Uncertain significance (1 of 4 stars; one submission).

Conditions:
Developmental and epileptic encephalopathy, 12 (DEE12). Identifiers: MedGen C3150988, MONDO:0013389, OMIM 613722.

Allele frequency attached by ClinVar (database versions not stated): gnomAD exomes below 0.00001 and 0.00001; ExAC 0.00001; gnomAD 0.00001; TOPMed 0.00001.
gnomAD v4.1: 8 of 1,583,978 alleles (0.00051%); highest among the groups gnomAD compares: Non-Finnish European, 0.00069%; no homozygotes.

Submission:

Labcorp Genetics (formerly Invitae), Labcorp
Classification: Uncertain significance for Developmental and epileptic encephalopathy, 12. Last evaluated: 2022-03-06. Review status: criteria provided, single submitter. Criteria: Invitae Variant Classification Sherloc (09022015). Collection method: clinical testing. Allele origin: germline.
Comment: In summary, the available evidence is currently insufficient to determine the role of this variant in disease. Therefore, it has been classified as a Variant of Uncertain Significance. This sequence change replaces asparagine, which is neutral and polar, with lysine, which is basic and polar, at codon 562 of the PLCB1 protein (p.Asn562Lys). The frequency data for this variant in the population databases is considered unreliable, as metrics indicate poor data quality at this position in the gnomAD database. This variant has not been reported in the literature in individuals affected with PLCB1-related conditions. Algorithms developed to predict the effect of missense changes on protein structure and function are either unavailable or do not agree on the potential impact of this missense change (SIFT: "Tolerated"; PolyPhen-2: "Possibly Damaging"; Align-GVGD: "Class C0"). Algorithms developed to predict the effect of sequence changes on RNA splicing suggest that this variant may create or strengthen a splice site.